The following is an entry in ClinVar:

NM_020778.5(ALPK3):c.712C>T (p.Pro238Ser)

Gene: ALPK3 (alpha kinase 3; plus strand). Cytogenetic location: 15q25.3.
Variant type: single nucleotide variant.
Coding change: c.712C>T on transcript NM_020778.5 (MANE Select); coding-DNA position 712, C replaced by T.
Protein change: p.Pro238Ser; replaces proline 238 with serine.
Molecular consequence: missense variant.
Genome position (GRCh38, 1-based): chr15:84,839,991, C>T. VCF-style: chr15-84839991-C-T. GRCh37 (hg19) VCF-style: chr15-85383222-C-T.
Other names: short protein forms P238S.
Identifiers: ClinVar variation 1387292 (VCV001387292.13), dbSNP rs138094037, ClinGen allele CA7709057.

ClinVar aggregate classification (germline): Conflicting classifications of pathogenicity. Review status: criteria provided, conflicting classifications (1 of 4 stars). 5 submissions from 5 submitters: Uncertain significance (4); Likely benign (1). Last evaluated 2026-09-22.

Conditions:
ALPK3-related disorder. Also called: ALPK3-related condition.
Cardiovascular phenotype. Identifiers: MedGen CN230736.

Allele frequency attached by ClinVar (database versions not stated): gnomAD exomes 0.00002 and 0.00003; ExAC 0.00003; gnomAD 0.00014; ESP Exome Variant Server 0.00015; TOPMed 0.00023.
gnomAD v4.1: 42 of 1,612,768 alleles (0.0026%); highest among the groups gnomAD compares: African/African-American, 0.053%; no homozygotes.

Submissions (5):

PreventionGenetics, part of Exact Sciences
Classification: Uncertain significance for ALPK3-related condition. Last evaluated: 2026-09-22. Review status: criteria provided, single submitter. Criteria: ACMG Guidelines, 2015. Collection method: clinical testing. Allele origin: germline.
Comment: The ALPK3 c.1318C>T variant is predicted to result in the amino acid substitution p.Pro440Ser. This variant has been reported in an individual with cardiomyopathy (Supplementary File 2, van Lint et al. 2019. PubMed ID: 30847666). This variant is reported in 0.040% of alleles in individuals of African descent in gnomAD. At this time, the clinical significance of this variant is uncertain due to the absence of conclusive functional and genetic evidence.

Labcorp Genetics (formerly Invitae), Labcorp
Classification: Uncertain significance. Last evaluated: 2026-02-01. Review status: criteria provided, single submitter. Criteria: Invitae Variant Classification Sherloc (09022015). Collection method: clinical testing. Allele origin: germline.
Comment: This sequence change replaces proline, which is neutral and non-polar, with serine, which is neutral and polar, at codon 440 of the ALPK3 protein (p.Pro440Ser). This variant is present in population databases (rs138094037, gnomAD 0.04%). This variant has not been reported in the literature in individuals affected with ALPK3-related conditions. ClinVar contains an entry for this variant (Variation ID: 1387292). Invitae Evidence Modeling of protein sequence and biophysical properties (such as structural, functional, and spatial information, amino acid conservation, physicochemical variation, residue mobility, and thermodynamic stability) indicates that this missense variant is not expected to disrupt ALPK3 protein function with a negative predictive value of 80%. In summary, the available evidence is currently insufficient to determine the role of this variant in disease. Therefore, it has been classified as a Variant of Uncertain Significance.

GeneDx
Classification: Uncertain significance. Last evaluated: 2025-08-26. Review status: criteria provided, single submitter. Criteria: GeneDx Variant Classification Process June 2021. Collection method: clinical testing. Allele origin: germline. Affected: yes.
Comment: In silico analysis suggests that this missense variant does not alter protein structure/function; Has not been previously published as pathogenic or benign to our knowledge

Women's Health and Genetics/Laboratory Corporation of America, LabCorp
Classification: Uncertain significance. Last evaluated: 2025-03-07. Review status: criteria provided, single submitter. Criteria: LabCorp Variant Classification Summary - May 2015. Collection method: clinical testing. Allele origin: germline.

Ambry Genetics
Classification: Likely benign for Cardiovascular phenotype. Last evaluated: 2024-01-29. Review status: criteria provided, single submitter. Criteria: Ambry Variant Classification Scheme 2023. Collection method: clinical testing. Allele origin: germline.

Literature cited by the submitters: PubMed 30847666 (cited by Ambry Genetics).